The following is an entry in ClinVar:

NM_013266.4(CTNNA3):c.1852C>A (p.His618Asn)

Gene: CTNNA3 (catenin alpha 3; minus strand). Cytogenetic location: 10q21.3.
Variant type: single nucleotide variant.
Coding change: c.1852C>A on transcript NM_013266.4 (MANE Select); coding-DNA position 1852, C replaced by A.
Protein change: p.His618Asn; replaces histidine 618 with asparagine.
Molecular consequence: missense variant.
Genome position (GRCh38, 1-based): chr10:66,280,502, G>T on the plus strand (C>A on the coding strand, the complement: CTNNA3 is on the minus strand). VCF-style: chr10-66280502-G-T. GRCh37 (hg19) VCF-style: chr10-68040260-G-T.
Other names: c.1852C>A, p.His618Asn (NM_001127384.3); short protein forms H618N.
Identifiers: ClinVar variation 3657754 (VCV003657754.2).
Genomic context (GRCh38, chr10:66,280,502, plus strand): 5'-AATTCAATGGAAGGAAAAGCAAACTTACCCGAATCATCATGACTGAACATCTGATATCAT[G>T]AATTGTATCATAGATCTTCTTTGAGATGTCCACAAATTGATTATCATCCAACACATTCAA-3'
Protein context (NP_037398.2, residues 608-628): DISKKIYDTI[His618Asn]DIRCSVMMIR

ClinVar aggregate classification (germline): Uncertain significance (1 of 4 stars; one submission).

Conditions:
Arrhythmogenic right ventricular dysplasia 13. Also called: Arrhythmogenic right ventricular dysplasia, familial, 13; ARRHYTHMOGENIC RIGHT VENTRICULAR CARDIOMYOPATHY 13. Identifiers: MedGen C3810138, MONDO:0000908, OMIM 615616.

Submission:

Labcorp Genetics (formerly Invitae), Labcorp
Classification: Uncertain significance for Arrhythmogenic right ventricular dysplasia 13. Last evaluated: 2024-06-25. Review status: criteria provided, single submitter. Criteria: Invitae Variant Classification Sherloc (09022015). Collection method: clinical testing. Allele origin: germline.
Comment: This sequence change replaces histidine, which is basic and polar, with asparagine, which is neutral and polar, at codon 618 of the CTNNA3 protein (p.His618Asn). This variant is not present in population databases (gnomAD no frequency). This variant has not been reported in the literature in individuals affected with CTNNA3-related conditions. Advanced modeling of protein sequence and biophysical properties (such as structural, functional, and spatial information, amino acid conservation, physicochemical variation, residue mobility, and thermodynamic stability) performed at Invitae indicates that this missense variant is not expected to disrupt CTNNA3 protein function with a negative predictive value of 80%. In summary, the available evidence is currently insufficient to determine the role of this variant in disease. Therefore, it has been classified as a Variant of Uncertain Significance.